The following is an entry in ClinVar:

ClinVar aggregate classification (germline): Uncertain significance (1 of 4 stars; one submission).

Conditions:
KSR2-related disorder. Also called: KSR2-related condition.

gnomAD v4.1: 2 of 1,613,882 alleles (0.00012%); highest among the groups gnomAD compares: Non-Finnish European, 0.00017%; no homozygotes.

Submission:

PreventionGenetics, part of Exact Sciences
Classification: Uncertain significance for KSR2-related condition. Last evaluated: 2026-03-24. Review status: criteria provided, single submitter. Criteria: ACMG Guidelines, 2015. Collection method: clinical testing. Allele origin: germline.
Comment: The KSR2 c.1885G>A variant is predicted to result in the amino acid substitution p.Glu629Lys. To our knowledge, this variant has not been reported in the literature. This variant is reported in 0.00088% of alleles in individuals of European (Non-Finnish) descent in gnomAD. At this time, the clinical significance of this variant is uncertain due to the absence of conclusive functional and genetic evidence.

NM_173598.6(KSR2):c.1972G>A (p.Glu658Lys)

Gene: KSR2 (kinase suppressor of ras 2; minus strand). Cytogenetic location: 12q24.22.
Variant type: single nucleotide variant.
Coding change: c.1972G>A on transcript NM_173598.6 (MANE Select); coding-DNA position 1972, G replaced by A.
Protein change: p.Glu658Lys; replaces glutamic acid 658 with lysine.
Molecular consequence: missense variant.
Genome position (GRCh38, 1-based): chr12:117,525,099, C>T on the plus strand (G>A on the coding strand, the complement: KSR2 is on the minus strand). VCF-style: chr12-117525099-C-T. GRCh37 (hg19) VCF-style: chr12-117962904-C-T.
Other names: short protein forms E658K.
Identifiers: ClinVar variation 4990319 (VCV004990319.1).
Genomic context (GRCh38, chr12:117,525,099, plus strand): 5'-CAAAGCGGCCCTTTCCAATGAGCTCGCCGATCTCCAGCTGCTCAAAGGGGATGTCCCACT[C>T]CTGAAGGAAGATGCTGGTCTGGCTGGCCTTGCGTGGGAAGCTCCGGGCCGAGAGGAGGGA-3'
Protein context (NP_775869.4, residues 648-668): KASQTSIFLQ[Glu658Lys]WDIPFEQLEI